The following is an entry in ClinVar:

ClinVar aggregate classification (germline): Uncertain significance (1 of 4 stars; one submission).

Conditions:
Inborn genetic diseases. Identifiers: MedGen C0950123, MeSH D030342.

gnomAD v4.1: 2 of 1,201,887 alleles (0.00017%); highest among the groups gnomAD compares: Admixed American, 0.0044%; no homozygotes.

Submission:

Ambry Genetics
Classification: Uncertain significance for Inborn genetic diseases. Last evaluated: 2025-11-13. Review status: criteria provided, single submitter. Criteria: Ambry Variant Classification Scheme 2023. Collection method: clinical testing. Allele origin: germline.
Comment: The c.1117G>A (p.G373R) alteration is located in exon 10 (coding exon 8) of the ACSL4 gene. This alteration results from a G to A substitution at nucleotide position 1117, causing the glycine (G) at amino acid position 373 to be replaced by an arginine (R). Based on data from gnomAD, the A allele has an overall frequency of 0.001% (2/182615) total alleles studied. The highest observed frequency was 0.007% (2/27308) of Latino alleles. Based on insufficient or conflicting evidence, the clinical significance of this alteration remains unclear.

NM_001318510.2(ACSL4):c.1117G>A (p.Gly373Arg)

Gene: ACSL4 (acyl-CoA synthetase long chain family member 4; minus strand). Cytogenetic location: Xq23.
Variant type: single nucleotide variant.
Coding change: c.1117G>A on transcript NM_001318510.2 (MANE Select); coding-DNA position 1117, G replaced by A.
Protein change: p.Gly373Arg; replaces glycine 373 with arginine.
Molecular consequence: missense variant.
Genome position (GRCh38, 1-based): chrX:109,669,059, C>T on the plus strand (G>A on the coding strand, the complement: ACSL4 is on the minus strand). VCF-style: chrX-109669059-C-T. GRCh37 (hg19) VCF-style: chrX-108912288-C-T.
Other names: c.1240G>A, p.Gly414Arg (NM_001318509.2, NM_001437245.1, NM_001437247.1 and 2 more transcripts); c.1117G>A, p.Gly373Arg (NM_001437250.1, NM_001437251.1, NM_001437252.1 and 2 more transcripts); short protein forms G373R, G414R.
Identifiers: ClinVar variation 4566086 (VCV004566086.1).